The following is an entry in ClinVar:

NM_001904.4(CTNNB1):c.733G>A (p.Gly245Ser)

Genes: CTNNB1 (catenin beta 1; plus strand), LOC126806658 (BRD4-independent group 4 enhancer GRCh37_chr3:41265899-41267098; plus strand). Cytogenetic location: 3p22.1.
Variant type: single nucleotide variant.
Coding change: c.733G>A on transcript NM_001904.4 (MANE Select); coding-DNA position 733, G replaced by A.
Protein change: p.Gly245Ser; replaces glycine 245 with serine.
Molecular consequence: missense variant.
Genome position (GRCh38, 1-based): chr3:41,225,571, G>A. VCF-style: chr3-41225571-G-A. GRCh37 (hg19) VCF-style: chr3-41267062-G-A.
Other names: c.733G>A, p.Gly245Ser (NM_001098209.2, NM_001098210.2); c.712G>A, p.Gly238Ser (NM_001330729.2); short protein forms G238S, G245S.
Identifiers: ClinVar variation 1719574 (VCV001719574.6), dbSNP rs766827521, ClinGen allele CA2330963.

ClinVar aggregate classification (germline): Uncertain significance (1 of 4 stars; one submission).

Allele frequency attached by ClinVar (database versions not stated): gnomAD exomes 0.00001; ExAC 0.00003.
gnomAD v4.1: 6 of 1,614,102 alleles (0.00037%); highest among the groups gnomAD compares: South Asian, 0.0066%; no homozygotes.

Submission:

Labcorp Genetics (formerly Invitae), Labcorp
Classification: Uncertain significance. Last evaluated: 2022-09-16. Review status: criteria provided, single submitter. Criteria: Invitae Variant Classification Sherloc (09022015). Collection method: clinical testing. Allele origin: germline.
Comment: In summary, the available evidence is currently insufficient to determine the role of this variant in disease. Therefore, it has been classified as a Variant of Uncertain Significance. Algorithms developed to predict the effect of sequence changes on RNA splicing suggest that this variant may disrupt the consensus splice site. This sequence change replaces glycine, which is neutral and non-polar, with serine, which is neutral and polar, at codon 245 of the CTNNB1 protein (p.Gly245Ser). This variant is present in population databases (rs766827521, gnomAD 0.02%). This variant has not been reported in the literature in individuals affected with CTNNB1-related conditions. Algorithms developed to predict the effect of missense changes on protein structure and function (SIFT, PolyPhen-2, Align-GVGD) all suggest that this variant is likely to be tolerated.